The following is an entry in ClinVar:

NM_001351132.2(PEX5):c.23A>G (p.Glu8Gly)

Gene: PEX5 (peroxisomal biogenesis factor 5; plus strand). Cytogenetic location: 12p13.31.
Variant type: single nucleotide variant.
Coding change: c.23A>G on transcript NM_001351132.2 (MANE Select); coding-DNA position 23, A replaced by G.
Protein change: p.Glu8Gly; replaces glutamic acid 8 with glycine.
Molecular consequence: missense variant.
Genome position (GRCh38, 1-based): chr12:7,190,400, A>G. VCF-style: chr12-7190400-A-G. GRCh37 (hg19) VCF-style: chr12-7342996-A-G.
Other names: c.23A>G, p.Glu8Gly (NM_001131026.2, NM_001300789.3, NM_001351124.3 and 22 more transcripts); short protein forms E8G.
Identifiers: ClinVar variation 3693727 (VCV003693727.2).
Genomic context (GRCh38, chr12:7,190,400, plus strand): 5'-CCAAACCTCCTGTGTCCATCAGAGAGCTGGCGGTCACCATGGCAATGCGGGAGCTGGTGG[A>G]GGCCGAATGCGGGGGTGCCAACCCGCTCATGAAGCTCGCCGGGCACTTCACCCAGGACAA-3'
Protein context (NP_001338061.1, residues 1-18): MAMRELV[Glu8Gly]AECGGANPLM

ClinVar aggregate classification (germline): Uncertain significance (1 of 4 stars; one submission).

Conditions:
Peroxisome biogenesis disorder 2B (PBD2B). Identifiers: Orphanet 44, MedGen C3550234, MONDO:0008736, OMIM 202370.

gnomAD v4.1: 1 of 1,614,186 alleles (0.000062%); highest among the groups gnomAD compares: Non-Finnish European, 0.000085%; no homozygotes.

Submission:

Labcorp Genetics (formerly Invitae), Labcorp
Classification: Uncertain significance for Peroxisome biogenesis disorder 2B. Last evaluated: 2024-05-13. Review status: criteria provided, single submitter. Criteria: Invitae Variant Classification Sherloc (09022015). Collection method: clinical testing. Allele origin: germline.
Comment: This sequence change replaces glutamic acid, which is acidic and polar, with glycine, which is neutral and non-polar, at codon 8 of the PEX5 protein (p.Glu8Gly). This variant is present in population databases (rs777143989, gnomAD 0.0009%). This variant has not been reported in the literature in individuals affected with PEX5-related conditions. An algorithm developed to predict the effect of missense changes on protein structure and function (PolyPhen-2) suggests that this variant is likely to be disruptive. Algorithms developed to predict the effect of sequence changes on RNA splicing suggest that this variant may disrupt the consensus splice site. In summary, the available evidence is currently insufficient to determine the role of this variant in disease. Therefore, it has been classified as a Variant of Uncertain Significance.